The following is an entry in ClinVar:

NM_133433.4(NIPBL):c.3362A>T (p.Asp1121Val)

Gene: NIPBL (NIPBL cohesin loading factor; plus strand). Cytogenetic location: 5p13.2.
Variant type: single nucleotide variant.
Coding change: c.3362A>T on transcript NM_133433.4 (MANE Select); coding-DNA position 3362, A replaced by T.
Protein change: p.Asp1121Val; replaces aspartic acid 1121 with valine.
Molecular consequence: missense variant.
Genome position (GRCh38, 1-based): chr5:37,000,430, A>T. VCF-style: chr5-37000430-A-T. GRCh37 (hg19) VCF-style: chr5-37000532-A-T.
Other names: c.3362A>T, p.Asp1121Val (NM_015384.5); short protein forms D1121V.
Identifiers: ClinVar variation 957391 (VCV000957391.9), dbSNP rs1223302517, ClinGen allele CA359517562.
Genomic context (GRCh38, chr5:37,000,430, plus strand): 5'-TAGCCTCTAGGAAACGACATAAAAAAGATGATGATAAAGCTTGGGAATATGAAGAGCGTG[A>T]CAGAAGAAGCTCTGGGGATCATAGGAGAAGTGGCCACTCTCATGAAGGAAGAAGGAGTTC-3'
Protein context (NP_597677.2, residues 1111-1131): DDKAWEYEER[Asp1121Val]RRSSGDHRRS

ClinVar aggregate classification (germline): Uncertain significance (1 of 4 stars; one submission).

Conditions:
Cornelia de Lange syndrome 1 (CDLS1). Also called: Brachmann de Lange syndrome; NIPBL-Related Cornelia de Lange Syndrome; TYPUS DEGENERATIVUS AMSTELODAMENSIS. Identifiers: Orphanet 199, MedGen C4551851, MONDO:0007387, OMIM 122470.

Allele frequency attached by ClinVar (database versions not stated): gnomAD exomes 0.00001 and 0.00002; TOPMed 0.00001.
gnomAD v4.1: 8 of 1,613,444 alleles (0.0005%); highest among the groups gnomAD compares: Admixed American, 0.01%; no homozygotes.

Submission:

Labcorp Genetics (formerly Invitae), Labcorp
Classification: Uncertain significance for Cornelia de Lange syndrome 1. Last evaluated: 2024-09-04. Review status: criteria provided, single submitter. Criteria: Invitae Variant Classification Sherloc (09022015). Collection method: clinical testing. Allele origin: germline.
Comment: This sequence change replaces aspartic acid, which is acidic and polar, with valine, which is neutral and non-polar, at codon 1121 of the NIPBL protein (p.Asp1121Val). This variant is present in population databases (no rsID available, gnomAD 0.01%). This variant has not been reported in the literature in individuals affected with NIPBL-related conditions. ClinVar contains an entry for this variant (Variation ID: 957391). Invitae Evidence Modeling of protein sequence and biophysical properties (such as structural, functional, and spatial information, amino acid conservation, physicochemical variation, residue mobility, and thermodynamic stability) has been performed for this missense variant. However, the output from this modeling did not meet the statistical confidence thresholds required to predict the impact of this variant on NIPBL protein function. In summary, the available evidence is currently insufficient to determine the role of this variant in disease. Therefore, it has been classified as a Variant of Uncertain Significance.